The following is an entry in ClinVar:

ClinVar aggregate classification (germline): Uncertain significance (1 of 4 stars; one submission).

Conditions:
Xanthinuria type II. Also called: Xanthine dehydrogenase and aldehyde oxidase combined deficiency of; XDH and AOX dual deficiency. Identifiers: Orphanet 3467, Orphanet 93602, MedGen C1863688, MONDO:0011346, OMIM 603592.

Allele frequency attached by ClinVar (database versions not stated): gnomAD exomes below 0.00001.
gnomAD v4.1: 4 of 1,614,236 alleles (0.00025%); highest among the groups gnomAD compares: Admixed American, 0.0017%; no homozygotes.

Submission:

Labcorp Genetics (formerly Invitae), Labcorp
Classification: Uncertain significance for Xanthinuria type II. Last evaluated: 2022-07-09. Review status: criteria provided, single submitter. Criteria: Invitae Variant Classification Sherloc (09022015). Collection method: clinical testing. Allele origin: germline.
Comment: Algorithms developed to predict the effect of missense changes on protein structure and function are either unavailable or do not agree on the potential impact of this missense change (SIFT: "Tolerated"; PolyPhen-2: "Possibly Damaging"; Align-GVGD: "Class C0"). In summary, the available evidence is currently insufficient to determine the role of this variant in disease. Therefore, it has been classified as a Variant of Uncertain Significance. This variant has not been reported in the literature in individuals affected with XDH-related conditions. This variant is not present in population databases (gnomAD no frequency). This sequence change replaces aspartic acid, which is acidic and polar, with glutamic acid, which is acidic and polar, at codon 1298 of the XDH protein (p.Asp1298Glu).

NM_000379.4(XDH):c.3894C>G (p.Asp1298Glu)

Gene: XDH (xanthine dehydrogenase; minus strand). Cytogenetic location: 2p23.1.
Variant type: single nucleotide variant.
Coding change: c.3894C>G on transcript NM_000379.4 (MANE Select); coding-DNA position 3894, C replaced by G.
Protein change: p.Asp1298Glu; replaces aspartic acid 1298 with glutamic acid.
Molecular consequence: missense variant.
Genome position (GRCh38, 1-based): chr2:31,337,698, G>C on the plus strand (C>G on the coding strand, the complement: XDH is on the minus strand). VCF-style: chr2-31337698-G-C. GRCh37 (hg19) VCF-style: chr2-31560564-G-C.
Other names: short protein forms D1298E.
Identifiers: ClinVar variation 2049003 (VCV002049003.4), dbSNP rs2465294244, ClinGen allele CA346492934.